The following is an entry in ClinVar:

NM_002332.3(LRP1):c.7557G>A (p.Ala2519=)

Gene: LRP1 (LDL receptor related protein 1; plus strand). Cytogenetic location: 12q13.3.
Variant type: single nucleotide variant.
Coding change: c.7557G>A on transcript NM_002332.3 (MANE Select); coding-DNA position 7557, G replaced by A.
Protein change: p.Ala2519=; no amino-acid change (alanine 2519 retained).
Molecular consequence: synonymous variant.
Genome position (GRCh38, 1-based): chr12:57,193,177, G>A. VCF-style: chr12-57193177-G-A. GRCh37 (hg19) VCF-style: chr12-57586960-G-A.
Other names: NC_000012.11:g.57586960G>A.
Identifiers: ClinVar variation 3055070 (VCV003055070.3), dbSNP rs36011472, ClinGen allele CA6644106.

ClinVar aggregate classification (germline): Likely benign (0 of 4 stars; one submission).

Conditions:
LRP1-related disorder. Also called: LRP1-related condition.

Allele frequency attached by ClinVar (database versions not stated): ExAC 0.00014; gnomAD 0.00014; TOPMed 0.00014; 1000 Genomes Project 30x 0.00016; gnomAD exomes 0.00018; 1000 Genomes Project 0.00020; ESP Exome Variant Server 0.00023.
gnomAD v4.1: 278 of 1,613,898 alleles (0.017%); highest among the groups gnomAD compares: Non-Finnish European, 0.021%; no homozygotes.

Submissions (3):

PreventionGenetics, part of Exact Sciences
Classification: Likely benign for LRP1-related condition. Last evaluated: 2020-12-21. Review status: no assertion criteria provided. Collection method: clinical testing. Allele origin: germline.
Comment: This variant is classified as likely benign based on ACMG/AMP sequence variant interpretation guidelines (Richards et al. 2015 PMID: 25741868, with internal and published modifications).

Dr. Peter K. Rogan Lab, Western University
No classification provided (evidence only). Condition: Melanoma. Review status: no classification provided. Collection method: in vitro. Allele origin: not applicable. Functional consequence: retained intron. Not counted in ClinVar's aggregate classification.

Dr. Peter K. Rogan Lab, Western University
No classification provided (evidence only). Condition: Familial cancer of breast. Review status: no classification provided. Collection method: in vitro. Allele origin: not applicable. Functional consequence: retained intron. Not counted in ClinVar's aggregate classification.